The following is an entry in ClinVar:

NM_005458.8(GABBR2):c.1329C>T (p.Asn443=)

Gene: GABBR2 (gamma-aminobutyric acid type B receptor subunit 2; minus strand). Cytogenetic location: 9q22.33.
Variant type: single nucleotide variant.
Coding change: c.1329C>T on transcript NM_005458.8 (MANE Select); coding-DNA position 1329, C replaced by T.
Protein change: p.Asn443=; no amino-acid change (asparagine 443 retained).
Molecular consequence: synonymous variant.
Genome position (GRCh38, 1-based): chr9:98,394,224, G>A on the plus strand (C>T on the coding strand, the complement: GABBR2 is on the minus strand). VCF-style: chr9-98394224-G-A. GRCh37 (hg19) VCF-style: chr9-101156506-G-A.
Other names: p.Asn443=.
Identifiers: ClinVar variation 714217 (VCV000714217.13), dbSNP rs778274646, ClinGen allele CA5152751.
Genomic context (GRCh38, chr9:98,394,224, plus strand): 5'-ACCTGCCTTACCTTGGAACCTGATGGTGTCATTGATGATCTCCAGTGTGTCGGCCACAGC[G>A]TTGTACTCTCCCACCTTCACCTCCCTGCTGTCTGTGGGGAGCAAAAGACAGTGGCCAGTT-3'
Protein context (NP_005449.5, residues 433-453): DSREVKVGEY[Asn443=]AVADTLEIIN

ClinVar aggregate classification (germline): Likely benign. Review status: criteria provided, multiple submitters, no conflicts (2 of 4 stars). 3 submissions from 3 submitters: Likely benign (3). Last evaluated 2025-07-06.

Conditions:
Epileptic encephalopathy. Identifiers: MedGen C0543888, HP:0200134.

Allele frequency attached by ClinVar (database versions not stated): ExAC 0.00002; gnomAD exomes 0.00003; TOPMed 0.00007; gnomAD 0.00010; 1000 Genomes Project 30x 0.00031.
gnomAD v4.1: 33 of 1,613,878 alleles (0.002%); highest among the groups gnomAD compares: African/African-American, 0.016%; no homozygotes.

Submissions (3):

Labcorp Genetics (formerly Invitae), Labcorp
Classification: Likely benign for Epileptic encephalopathy. Last evaluated: 2025-07-06. Review status: criteria provided, single submitter. Criteria: Invitae Variant Classification Sherloc (09022015). Collection method: clinical testing. Allele origin: germline.

Mayo Clinic Laboratories, Mayo Clinic
Classification: Likely benign. Last evaluated: 2025-06-05. Review status: criteria provided, single submitter. Criteria: ACMG Guidelines, 2015. Collection method: clinical testing. Allele origin: germline. Observed: 1 variant allele.
Comment: BS2, BP4, BP7

Blueprint Genetics
Classification: Likely benign. Last evaluated: 2023-02-23. Review status: criteria provided, single submitter. Criteria: ACMG Guidelines, 2015. Collection method: clinical testing. Allele origin: germline.